The following is an entry in ClinVar:

NM_005236.3(ERCC4):c.33C>T (p.Ala11=)

Genes: ERCC4 (ERCC excision repair 4, endonuclease catalytic subunit; plus strand), LOC130058543 (ATAC-STARR-seq lymphoblastoid active region 10486; plus strand). Cytogenetic location: 16p13.12.
Variant type: single nucleotide variant.
Coding change: c.33C>T on transcript NM_005236.3 (MANE Select); coding-DNA position 33, C replaced by T.
Protein change: p.Ala11=; no amino-acid change (alanine 11 retained).
Molecular consequence: synonymous variant.
Genome position (GRCh38, 1-based): chr16:13,920,198, C>T. VCF-style: chr16-13920198-C-T. GRCh37 (hg19) VCF-style: chr16-14014055-C-T.
Other names: p.Ala11=.
Identifiers: ClinVar variation 240125 (VCV000240125.25), dbSNP rs3136042, ClinGen allele CA7910067.

ClinVar aggregate classification (germline): Benign/Likely benign. Review status: criteria provided, multiple submitters, no conflicts (2 of 4 stars). 9 submissions from 9 submitters: Benign (5); Likely benign (4). Last evaluated 2026-02-02.

Conditions:
Xeroderma pigmentosum, group F (XPF). Also called: XERODERMA PIGMENTOSUM, COMPLEMENTATION GROUP F; ERCC4-Related Xeroderma Pigmentosum; XERODERMA PIGMENTOSUM VI; XP, GROUP F; XERODERMA PIGMENTOSUM, TYPE F; Xeroderma pigmentosum, type 6. Identifiers: MedGen C0268140, MONDO:0010215, OMIM 278760.
Cockayne syndrome. Identifiers: Orphanet 191, MedGen C0009207, MONDO:0016006.
Fanconi anemia complementation group Q. Identifiers: Orphanet 84, MedGen C3808988, MONDO:0014108, OMIM 615272.

Allele frequency attached by ClinVar (database versions not stated): 1000 Genomes Project 0.00579; 1000 Genomes Project 30x 0.00593; TOPMed 0.01342; gnomAD 0.01369 and 0.01420; ESP Exome Variant Server 0.01694.
gnomAD v4.1: 32,024 of 1,607,076 alleles (2%); highest among the groups gnomAD compares: Non-Finnish European, 2.5%; 398 homozygotes.

Submissions (9):

Labcorp Genetics (formerly Invitae), Labcorp
Classification: Benign for Fanconi anemia complementation group Q; Xeroderma pigmentosum, group F; Cockayne syndrome. Last evaluated: 2026-02-02. Review status: criteria provided, single submitter. Criteria: Invitae Variant Classification Sherloc (09022015). Collection method: clinical testing. Allele origin: germline.

Mayo Clinic Laboratories, Mayo Clinic
Classification: Likely benign. Last evaluated: 2025-09-16. Review status: criteria provided, single submitter. Criteria: ACMG Guidelines, 2015. Collection method: clinical testing. Allele origin: germline. Observed: 3 variant alleles.
Comment: BS1, BP4, BP7

ARUP Laboratories, Molecular Genetics and Genomics, ARUP Laboratories
Classification: Benign. Last evaluated: 2025-04-01. Review status: criteria provided, single submitter. Criteria: ARUP Molecular Germline Variant Investigation Process 2024. Collection method: clinical testing. Allele origin: germline.

Blueprint Genetics
Classification: Likely benign. Last evaluated: 2024-11-27. Review status: criteria provided, single submitter. Criteria: ACMG Guidelines, 2015. Collection method: clinical testing. Allele origin: germline.

KCCC/NGS Laboratory, Kuwait Cancer Control Center
Classification: Benign for Xeroderma pigmentosum, group F. Last evaluated: 2023-07-07. Review status: criteria provided, single submitter. Criteria: ACMG Guidelines, 2015. Collection method: clinical testing. Allele origin: germline. Affected: yes.

GeneDx
Classification: Likely benign. Last evaluated: 2021-11-11. Review status: criteria provided, single submitter. Criteria: GeneDx Variant Classification Process June 2021. Collection method: clinical testing. Allele origin: germline. Affected: yes.

Illumina Laboratory Services, Illumina
Classification: Benign for Xeroderma pigmentosum, group F. Last evaluated: 2017-04-27. Review status: criteria provided, single submitter. Criteria: ICSL Variant Classification Criteria 13 December 2019. Collection method: clinical testing. Allele origin: germline.
Comment: This variant was observed as part of a predisposition screen in an ostensibly healthy population. A literature search was performed for the gene, cDNA change, and amino acid change (where applicable). Publications were found based on this search. The evidence from the literature, in combination with allele frequency data from public databases where available, was sufficient to rule this variant out of causing disease. Therefore, this variant is classified as benign.

PreventionGenetics, part of Exact Sciences
Classification: Benign. Last evaluated: 2016-02-12. Review status: criteria provided, single submitter. Criteria: ACMG Guidelines, 2015. Collection method: clinical testing. Allele origin: germline.

Breakthrough Genomics
Classification: Likely benign. Review status: criteria provided, single submitter. Criteria: ACMG Guidelines, 2015. Collection method: not provided. Allele origin: germline. Inheritance: Autosomal recessive inheritance. Affected: yes.

Literature cited by the submitters: PubMed 24465539 (cited by Illumina Laboratory Services, Illumina).